The following is an entry in ClinVar:

ClinVar aggregate classification (germline): Benign (1 of 4 stars; one submission).

Allele frequency attached by ClinVar (database versions not stated): gnomAD 0.09882 and 0.10795; TOPMed 0.11050; 1000 Genomes Project 0.19908.
gnomAD v4.1: 16,412 of 152,202 alleles (11%); highest among the groups gnomAD compares: East Asian, 52%; 1,510 homozygotes.

Submission:

GeneDx
Classification: Benign. Last evaluated: 2018-06-14. Review status: criteria provided, single submitter. Criteria: GeneDx Variant Classification (06012015). Collection method: clinical testing. Allele origin: germline. Affected: yes.
Comment: This variant is considered likely benign or benign based on one or more of the following criteria: it is a conservative change, it occurs at a poorly conserved position in the protein, it is predicted to be benign by multiple in silico algorithms, and/or has population frequency not consistent with disease.

NM_177550.5(SLC13A5):c.840-225G>A

Gene: SLC13A5 (solute carrier family 13 member 5; minus strand). Cytogenetic location: 17p13.1.
Variant type: single nucleotide variant.
Coding change: c.840-225G>A on transcript NM_177550.5 (MANE Select); 225 bases into the intron before coding-DNA position 840, G replaced by A.
Molecular consequence: intron variant.
Genome position (GRCh38, 1-based): chr17:6,696,166, C>T on the plus strand (G>A on the coding strand, the complement: SLC13A5 is on the minus strand). VCF-style: chr17-6696166-C-T. GRCh37 (hg19) VCF-style: chr17-6599485-C-T.
Other names: c.711-225G>A (NM_001284510.2); c.789-225G>A (NM_001284509.2); c.840-225G>A (NM_001143838.3).
Identifiers: ClinVar variation 670099 (VCV000670099.1), dbSNP rs76041201, ClinGen allele CA14494928.